The following is an entry in ClinVar:

NM_006922.4(SCN3A):c.473+72C>T

Gene: SCN3A (sodium voltage-gated channel alpha subunit 3; minus strand). Cytogenetic location: 2q24.3.
Variant type: single nucleotide variant.
Coding change: c.473+72C>T on transcript NM_006922.4 (MANE Select); 72 bases into the intron after coding-DNA position 473, C replaced by T.
Molecular consequence: intron variant.
Genome position (GRCh38, 1-based): chr2:165,168,664, G>A on the plus strand (C>T on the coding strand, the complement: SCN3A is on the minus strand). VCF-style: chr2-165168664-G-A. GRCh37 (hg19) VCF-style: chr2-166025174-G-A.
Other names: c.473+72C>T (NM_001081676.2, NM_001081677.2).
Identifiers: ClinVar variation 1174177 (VCV001174177.4), dbSNP rs4667795, ClinGen allele CA60230806.
Genomic context (GRCh38, chr2:165,168,664, plus strand): 5'-ATCTTCTTTCATATTATGAAAATAACTTTTTCTTAGACAGAAGTGGAAACCATAAGTCAG[G>A]CTATACCCACAAGGAGATTGCTAGAGAATTTGAGTGTGCATTTCTCATTCCCAGAAGTTA-3'

ClinVar aggregate classification (germline): Benign. Review status: criteria provided, multiple submitters, no conflicts (2 of 4 stars). 3 submissions from 3 submitters: Benign (3). Last evaluated 2024-07-15.

Allele frequency attached by ClinVar (database versions not stated): gnomAD 0.22512 and 0.22625; TOPMed 0.24179; 1000 Genomes Project 30x 0.31246; 1000 Genomes Project 0.31809.
gnomAD v4.1: 179,240 of 1,039,578 alleles (17%); highest among the groups gnomAD compares: East Asian, 49%; 21,596 homozygotes.

Submissions (3):

Unidad de Genómica Garrahan, Hospital de Pediatría Garrahan
Classification: Benign. Last evaluated: 2024-07-15. Review status: criteria provided, single submitter. Criteria: ACMG Guidelines, 2015. Collection method: clinical testing. Allele origin: germline. Affected: no. Observed: 31 variant alleles.
Comment: This variant is classified as Benign based on local population frequency. This variant was detected in 33% of patients studied in a panel designed for Epileptic and Developmental Encephalopathy and Progressive Myoclonus Epilepsy. Number of patients: 31. Only high quality variants are reported.

GeneDx
Classification: Benign. Last evaluated: 2021-05-15. Review status: criteria provided, single submitter. Criteria: GeneDx Variant Classification (06012015). Collection method: clinical testing. Allele origin: germline. Affected: yes.

Breakthrough Genomics
Classification: Benign. Review status: criteria provided, single submitter. Criteria: ACMG Guidelines, 2015. Collection method: not provided. Allele origin: germline. Inheritance: Autosomal dominant inheritance. Affected: yes.